The following is an entry in ClinVar:

NM_005883.3(APC2):c.3821G>A (p.Cys1274Tyr)

Gene: APC2 (APC regulator of WNT signaling pathway 2; plus strand). Cytogenetic location: 19p13.3.
Variant type: single nucleotide variant.
Coding change: c.3821G>A on transcript NM_005883.3 (MANE Select); coding-DNA position 3821, G replaced by A.
Protein change: p.Cys1274Tyr; replaces cysteine 1274 with tyrosine.
Molecular consequence: missense variant.
Genome position (GRCh38, 1-based): chr19:1,467,122, G>A. VCF-style: chr19-1467122-G-A. GRCh37 (hg19) VCF-style: chr19-1467121-G-A.
Other names: c.3818G>A, p.Cys1273Tyr (NM_001351273.1); short protein forms C1273Y, C1274Y.
Identifiers: ClinVar variation 1331620 (VCV001331620.4), dbSNP rs1362393929, ClinGen allele CA403032938.
Genomic context (GRCh38, chr19:1,467,122, plus strand): 5'-CTGAGCTGGACGCAGGCAGCGTGCGCTTTACCGTGGAGAAGCCAGACGAGAACTTCTCGT[G>A]CGCCTCCAGCCTCAGCGCGCTGGCCTTGCACGAGCACTACGTGCAGCAGGACGTGGAGCT-3'
Protein context (NP_005874.1, residues 1264-1284): TVEKPDENFS[Cys1274Tyr]ASSLSALALH

ClinVar aggregate classification (germline): Uncertain significance (1 of 4 stars; one submission).

Submission:

Greenwood Genetic Center Diagnostic Laboratories, Greenwood Genetic Center
Classification: Uncertain significance. Last evaluated: 2021-01-06. Review status: criteria provided, single submitter. Criteria: ACMG Guidelines, 2015. Collection method: clinical testing. Allele origin: germline. Affected: yes.
Comment: PM2